The following is an entry in ClinVar:

NM_001172509.2(SATB2):c.23C>A (p.Pro8Gln)

Gene: SATB2 (SATB homeobox 2; minus strand). Cytogenetic location: 2q33.1.
Variant type: single nucleotide variant.
Coding change: c.23C>A on transcript NM_001172509.2 (MANE Select); coding-DNA position 23, C replaced by A.
Protein change: p.Pro8Gln; replaces proline 8 with glutamine.
Molecular consequence: missense variant. On other transcripts: non-coding transcript variant (1).
Genome position (GRCh38, 1-based): chr2:199,456,015, G>T on the plus strand (C>A on the coding strand, the complement: SATB2 is on the minus strand). VCF-style: chr2-199456015-G-T. GRCh37 (hg19) VCF-style: chr2-200320738-G-T.
Other names: c.23C>A, p.Pro8Gln (NM_001172517.1, NM_015265.4); short protein forms P8Q.
Identifiers: ClinVar variation 1308158 (VCV001308158.5), dbSNP rs2105957352, ClinGen allele CA350388653.

ClinVar aggregate classification (germline): Uncertain significance. Review status: criteria provided, multiple submitters, no conflicts (2 of 4 stars). 2 submissions from 2 submitters: Uncertain significance (2). Last evaluated 2024-02-17.

Conditions:
Chromosome 2q32-q33 deletion syndrome (GLASS). Also called: Glass syndrome; 2q33.1 deletion syndrome. Identifiers: Orphanet 251019, MedGen C2676739, MONDO:0012864, OMIM 612313.

Submissions (2):

Labcorp Genetics (formerly Invitae), Labcorp
Classification: Uncertain significance for Chromosome 2q32-q33 deletion syndrome. Last evaluated: 2024-02-17. Review status: criteria provided, single submitter. Criteria: Invitae Variant Classification Sherloc (09022015). Collection method: clinical testing. Allele origin: germline.
Comment: This sequence change replaces proline, which is neutral and non-polar, with glutamine, which is neutral and polar, at codon 8 of the SATB2 protein (p.Pro8Gln). This variant is not present in population databases (gnomAD no frequency). This variant has not been reported in the literature in individuals affected with SATB2-related conditions. ClinVar contains an entry for this variant (Variation ID: 1308158). Advanced modeling of protein sequence and biophysical properties (such as structural, functional, and spatial information, amino acid conservation, physicochemical variation, residue mobility, and thermodynamic stability) performed at Invitae indicates that this missense variant is not expected to disrupt SATB2 protein function with a negative predictive value of 80%. In summary, the available evidence is currently insufficient to determine the role of this variant in disease. Therefore, it has been classified as a Variant of Uncertain Significance.

GeneDx
Classification: Uncertain significance. Last evaluated: 2022-08-17. Review status: criteria provided, single submitter. Criteria: GeneDx Variant Classification Process June 2021. Collection method: clinical testing. Allele origin: germline. Affected: yes.
Comment: Not observed in large population cohorts (gnomAD); In silico analysis supports that this missense variant does not alter protein structure/function; Has not been previously published as pathogenic or benign to our knowledge